The following is an entry in ClinVar:

NM_000448.3(RAG1):c.1480A>G (p.Ile494Val)

Gene: RAG1 (recombination activating 1; plus strand). Cytogenetic location: 11p12.
Variant type: single nucleotide variant.
Coding change: c.1480A>G on transcript NM_000448.3 (MANE Select); coding-DNA position 1480, A replaced by G.
Protein change: p.Ile494Val; replaces isoleucine 494 with valine.
Molecular consequence: missense variant.
Genome position (GRCh38, 1-based): chr11:36,574,784, A>G. VCF-style: chr11-36574784-A-G. GRCh37 (hg19) VCF-style: chr11-36596334-A-G.
Other names: c.1480A>G, p.Ile494Val (NM_001377277.1, NM_001377278.1, NM_001377279.1 and 1 more transcripts); short protein forms I494V.
Identifiers: ClinVar variation 1033034 (VCV001033034.4), dbSNP rs777216600, ClinGen allele CA5950141.

ClinVar aggregate classification (germline): Uncertain significance. Review status: criteria provided, multiple submitters, no conflicts (2 of 4 stars). 2 submissions from 2 submitters: Uncertain significance (2). Last evaluated 2024-02-24.

Conditions:
Combined immunodeficiency with skin granulomas. Identifiers: Orphanet 157949, MedGen C2673536, MONDO:0009306, OMIM 233650.
Severe combined immunodeficiency, autosomal recessive, T cell-negative, B cell-negative, NK cell-positive. Also called: SCID, T CELL-NEGATIVE, B CELL-NEGATIVE, NK CELL-POSITIVE; SCID, AR, T-cell negative, B-cell negative, NK cell-positive; Severe combined immunodeficiency due to complete RAG1/2 deficiency. Identifiers: Orphanet 331206, MedGen C1832322, MONDO:0011086, OMIM 601457.
Combined immunodeficiency due to partial RAG1 deficiency. Identifiers: Orphanet 231154, MedGen C1835931, MONDO:0012359, OMIM 609889.

Allele frequency attached by ClinVar (database versions not stated): gnomAD exomes below 0.00001 and 0.00001; TOPMed below 0.00001; ExAC 0.00001; gnomAD 0.00001.
gnomAD v4.1: 4 of 1,614,126 alleles (0.00025%); highest among the groups gnomAD compares: East Asian, 0.0022%; no homozygotes.

Submissions (2):

Labcorp Genetics (formerly Invitae), Labcorp
Classification: Uncertain significance for Combined immunodeficiency with skin granulomas; Severe combined immunodeficiency, autosomal recessive, T cell-negative, B cell-negative, NK cell-positive. Last evaluated: 2024-02-24. Review status: criteria provided, single submitter. Criteria: Invitae Variant Classification Sherloc (09022015). Collection method: clinical testing. Allele origin: germline.
Comment: This sequence change replaces isoleucine, which is neutral and non-polar, with valine, which is neutral and non-polar, at codon 494 of the RAG1 protein (p.Ile494Val). This variant is present in population databases (rs777216600, gnomAD 0.006%). This variant has not been reported in the literature in individuals affected with RAG1-related conditions. ClinVar contains an entry for this variant (Variation ID: 1033034). Advanced modeling of protein sequence and biophysical properties (such as structural, functional, and spatial information, amino acid conservation, physicochemical variation, residue mobility, and thermodynamic stability) performed at Invitae indicates that this missense variant is not expected to disrupt RAG1 protein function with a negative predictive value of 80%. In summary, the available evidence is currently insufficient to determine the role of this variant in disease. Therefore, it has been classified as a Variant of Uncertain Significance.

Baylor Genetics
Classification: Uncertain significance for Combined immunodeficiency due to partial RAG1 deficiency. Last evaluated: 2018-02-09. Review status: criteria provided, single submitter. Criteria: ACMG Guidelines, 2015. Collection method: clinical testing. Allele origin: paternal. Affected: yes.
Comment: This variant was determined to be of uncertain significance according to ACMG Guidelines, 2015 [PMID:25741868].